The following is an entry in ClinVar:

ClinVar aggregate classification (germline): Likely pathogenic (1 of 4 stars; one submission).

Conditions:
Alport syndrome. Also called: Hemorrhagic familial nephritis; Hemorrhagic hereditary nephritis; Congenital hereditary hematuria. Identifiers: Orphanet 63, MedGen C1567741, MONDO:0018965.

Submission:

Victorian Clinical Genetics Services, Murdoch Childrens Research Institute
Classification: Likely pathogenic for Alport syndrome. Last evaluated: 2022-02-02. Review status: criteria provided, single submitter. Criteria: ACMG Guidelines, 2015. Collection method: clinical testing. Allele origin: germline. Affected: yes.
Comment: Based on the classification scheme VCGS_Germline_v1.3.4, this variant is classified as Likely pathogenic. Following criteria are met: 0103 - Loss of function is a known mechanism of disease for this gene and is associated with COL4A4-related nephropathy. Dominant negative is a suspected mechanism of disease for this gene as it is a structural protein (PMIDs: 12028435, 24046192). (I) 0108 - This gene is associated with both recessive and dominant disease. Alport syndrome typically has biallelic inheritance, although rare cases of monoallelic inheritance have been reported (PMID: 28704582). Thin basement membrane nephropathy (TBMN) and focal segmental glomerulosclerosis (FSGS) are associated with autosomal dominant inheritance (OMIM, PMIDs: 16467446, 17942953). (I) 0200 - Variant is predicted to result in a missense amino acid change from glycine to valine. (I) 0251 - This variant is heterozygous. (I) 0301 - Variant is absent from gnomAD (both v2 and v3). (SP) 0309 - An alternative amino acid change at the same position has been observed in gnomAD (v2) (1 heterozygote, 0 homozygotes). (I) 0501 - Missense variant consistently predicted to be damaging by multiple in silico tools or highly conserved with a major amino acid change. (SP) 0601 - Variant is located in the well-established functional G-X-Y collagen triple helix repeat region (DECIPHER). (SP) 0705 - No comparable missense variants have previous evidence for pathogenicity. (I) 0807 - This variant has no previous evidence of pathogenicity. (I) 0905 - No published segregation evidence has been identified for this variant. (I) 1007 - No published functional evidence has been identified for this variant. (I) 1208 - Inheritance information for this variant is not currently available in this individual. (I) Legend: (SP) - Supporting pathogenic, (I) - Information, (SB) - Supporting benign

Literature cited by the submitters: PubMed 12028435; PubMed 16467446; PubMed 17942953; PubMed 24046192; PubMed 28704582.

NM_000092.5(COL4A4):c.1535G>T (p.Gly512Val)

Gene: COL4A4 (collagen type IV alpha 4 chain; minus strand). Cytogenetic location: 2q36.3.
Variant type: single nucleotide variant.
Coding change: c.1535G>T on transcript NM_000092.5 (MANE Select); coding-DNA position 1535, G replaced by T.
Protein change: p.Gly512Val; replaces glycine 512 with valine.
Molecular consequence: missense variant.
Genome position (GRCh38, 1-based): chr2:227,088,741, C>A on the plus strand (G>T on the coding strand, the complement: COL4A4 is on the minus strand). VCF-style: chr2-227088741-C-A. GRCh37 (hg19) VCF-style: chr2-227953457-C-A.
Other names: short protein forms G512V.
Identifiers: ClinVar variation 3376654 (VCV003376654.1).